The following is an entry in ClinVar:

ClinVar aggregate classification (germline): Benign/Likely benign. Review status: criteria provided, multiple submitters, no conflicts (2 of 4 stars). 3 submissions from 3 submitters: Benign (1); Likely benign (1). 1 of the submissions does not count toward it. Last evaluated 2025-12-23.

Conditions:
ASXL2-related disorder. Also called: ASXL2-related condition.
Inborn genetic diseases. Identifiers: MedGen C0950123, MeSH D030342.

Allele frequency attached by ClinVar (database versions not stated): ExAC 0.00019; gnomAD 0.00029; TOPMed 0.00033; gnomAD exomes 0.00064; ESP Exome Variant Server 0.00073.

Submissions (3):

Labcorp Genetics (formerly Invitae), Labcorp
Classification: Benign. Last evaluated: 2025-12-23. Review status: criteria provided, single submitter. Criteria: Invitae Variant Classification Sherloc (09022015). Collection method: clinical testing. Allele origin: germline.

Ambry Genetics
Classification: Likely benign for Inborn genetic diseases. Last evaluated: 2023-04-17. Review status: criteria provided, single submitter. Criteria: Ambry Variant Classification Scheme 2023. Collection method: clinical testing. Allele origin: germline.

PreventionGenetics, part of Exact Sciences
Classification: Likely benign for ASXL2-related condition. Last evaluated: 2022-04-06. Review status: no assertion criteria provided. Collection method: clinical testing. Allele origin: germline. Not counted in ClinVar's aggregate classification.
Comment: This variant is classified as likely benign based on ACMG/AMP sequence variant interpretation guidelines (Richards et al. 2015 PMID: 25741868, with internal and published modifications).

NM_018263.6(ASXL2):c.3830T>C (p.Val1277Ala)

Gene: ASXL2 (ASXL transcriptional regulator 2; minus strand). Cytogenetic location: 2p23.3.
Variant type: single nucleotide variant.
Coding change: c.3830T>C on transcript NM_018263.6 (MANE Select); coding-DNA position 3830, T replaced by C.
Protein change: p.Val1277Ala; replaces valine 1277 with alanine.
Molecular consequence: missense variant.
Genome position (GRCh38, 1-based): chr2:25,742,507, A>G on the plus strand (T>C on the coding strand, the complement: ASXL2 is on the minus strand). VCF-style: chr2-25742507-A-G. GRCh37 (hg19) VCF-style: chr2-25965376-A-G.
Other names: c.3656T>C, p.Val1219Ala (NM_001369346.1); c.3050T>C, p.Val1017Ala (NM_001369347.1); c.3830T>C (NM_018263.4); short protein forms V1219A, V1277A, V1017A.
Identifiers: ClinVar variation 2071249 (VCV002071249.7), dbSNP rs200059955, ClinGen allele CA1557417.